The following is an entry in ClinVar:

ClinVar aggregate classification (germline): Likely benign. Review status: criteria provided, multiple submitters, no conflicts (2 of 4 stars). 5 submissions from 5 submitters: Likely benign (5). Last evaluated 2026-01-24.

Conditions:
Creatine transporter deficiency (CCDS1). Also called: CEREBRAL CREATINE DEFICIENCY SYNDROME 1; Creatine Transporter (CRTR) Deficiency; Mental retardation , X-linked with seizures, short stature and midface hypoplasia; Mental retardation , X-linked, with creatine transport deficiency; X-linked creatine transporter deficiency; X-linked creatine deficiency syndrome. Identifiers: Orphanet 52503, MedGen C1845862, MONDO:0010305, OMIM 300352.

Allele frequency attached by ClinVar (database versions not stated): TOPMed 0.00021; ESP Exome Variant Server 0.00028.
gnomAD v4.1: 51 of 1,208,144 alleles (0.0042%); highest among the groups gnomAD compares: African/African-American, 0.067%; no homozygotes.

Submissions (5):

Labcorp Genetics (formerly Invitae), Labcorp
Classification: Likely benign for Creatine transporter deficiency. Last evaluated: 2026-01-24. Review status: criteria provided, single submitter. Criteria: Invitae Variant Classification Sherloc (09022015). Collection method: clinical testing. Allele origin: germline.

Blueprint Genetics
Classification: Likely benign. Last evaluated: 2024-03-20. Review status: criteria provided, single submitter. Criteria: ACMG Guidelines, 2015. Collection method: clinical testing. Allele origin: germline.

GeneDx
Classification: Likely benign. Last evaluated: 2020-12-07. Review status: criteria provided, single submitter. Criteria: GeneDx Variant Classification Process June 2021. Collection method: clinical testing. Allele origin: germline. Affected: yes.

Laboratorio de Genetica e Diagnostico Molecular, Hospital Israelita Albert Einstein
Classification: Likely benign. Last evaluated: 2020-01-03. Review status: criteria provided, single submitter. Criteria: ACMG Guidelines, 2015. Collection method: clinical testing. Allele origin: germline. Affected: yes.
Comment: ACMG classification criteria: PM2, BP4, BP6

Genetic Services Laboratory, University of Chicago
Classification: Likely benign. Last evaluated: 2019-09-04. Review status: criteria provided, single submitter. Criteria: ACMG Guidelines, 2015. Collection method: clinical testing. Allele origin: germline. Affected: no.

NM_005629.4(SLC6A8):c.1393-7C>T

Gene: SLC6A8 (solute carrier family 6 member 8; plus strand). Cytogenetic location: Xq28.
Variant type: single nucleotide variant.
Coding change: c.1393-7C>T on transcript NM_005629.4 (MANE Select); 7 bases into the intron before coding-DNA position 1393, C replaced by T.
Molecular consequence: intron variant.
Genome position (GRCh38, 1-based): chrX:153,694,337, C>T. VCF-style: chrX-153694337-C-T. GRCh37 (hg19) VCF-style: chrX-152959792-C-T.
Other names: c.1363-7C>T (NM_001142805.2); c.1048-7C>T (NM_001142806.1).
Identifiers: ClinVar variation 513878 (VCV000513878.19), dbSNP rs373525249, ClinGen allele CA10549512.